The following is an entry in ClinVar:

NM_000179.3(MSH6):c.3586G>T (p.Glu1196Ter)

Gene: MSH6 (mutS homolog 6; plus strand). Cytogenetic location: 2p16.3.
Variant type: single nucleotide variant.
Coding change: c.3586G>T on transcript NM_000179.3 (MANE Select); coding-DNA position 3586, G replaced by T.
Protein change: p.Glu1196Ter; replaces glutamic acid 1196 with a stop codon.
Molecular consequence: nonsense.
Genome position (GRCh38, 1-based): chr2:47,805,647, G>T. VCF-style: chr2-47805647-G-T. GRCh37 (hg19) VCF-style: chr2-48032786-G-T.
Other names: c.3196G>T, p.Glu1066Ter (NM_001281492.2); c.2680G>T, p.Glu894Ter (NM_001281493.2, NM_001281494.2); short protein forms E1066*, E1196*, E894*.
Identifiers: ClinVar variation 811413 (VCV000811413.9), dbSNP rs75095286, ClinGen allele CA346760525.

ClinVar aggregate classification (germline): Pathogenic. Review status: criteria provided, multiple submitters, no conflicts (2 of 4 stars). 2 submissions from 2 submitters: Pathogenic (2). Last evaluated 2023-08-24.

Conditions:
Lynch syndrome 5 (LYNCH5). Also called: Hereditary non-polyposis colorectal cancer, type 5; Colorectal cancer, hereditary nonpolyposis, type 5. Identifiers: Orphanet 144, MedGen C1833477, MONDO:0013710, OMIM 614350. Disease mechanism: loss of function.

Submissions (2):

Myriad Genetics, Inc.
Classification: Pathogenic for Lynch syndrome 5. Last evaluated: 2023-08-24. Review status: criteria provided, single submitter. Criteria: Myriad Autosomal Dominant, Autosomal Recessive and X-Linked Classification Criteria (2023). Collection method: clinical testing. Allele origin: unknown.
Comment: This variant is considered pathogenic. This variant creates a termination codon and is predicted to result in premature protein truncation.

ARUP Laboratories, Molecular Genetics and Genomics, ARUP Laboratories
Classification: Pathogenic. Last evaluated: 2019-04-26. Review status: criteria provided, single submitter. Criteria: ARUP Molecular Germline Variant Investigation Process. Collection method: clinical testing. Allele origin: germline.
Comment: The MSH6 c.3586G>T; p.Glu1196Ter variant, to our knowledge, is not described in the medical literature or in gene-specific databases. It is also absent from general population databases (Exome Variant Server and Genome Aggregation Database), indicating it is not a common polymorphism. This variant induces an early termination codon and is predicted to result in a truncated protein or mRNA subject to nonsense-mediated decay. Additionally, several downstream truncating variants have been described in association with Lynch syndrome and are considered pathogenic (Berends 2002, Ferguson 2014, Terui 2013). Based on available information, the p.Glu1196Ter variant is considered pathogenic. REFERENCES Berends M et al. Molecular and clinical characteristics of MSH6 variants: an analysis of 25 index carriers of a germline variant. Am J Hum Genet. 2002 Jan;70(1):26-37. Ferguson S et al. Performance characteristics of screening strategies for Lynch syndrome in unselected women with newly diagnosed endometrial cancer who have undergone universal germline mutation testing. Cancer. 2014 Dec 15;120(24):3932-9. Terui H et al. Molecular and clinical characteristics of MSH6 germline variants detected in colorectal cancer patients. Oncol Rep. 2013 Dec;30(6):2909-16.